The following is an entry in ClinVar:

ClinVar aggregate classification (germline): Uncertain significance. Review status: criteria provided, multiple submitters, no conflicts (2 of 4 stars). 2 submissions from 2 submitters: Uncertain significance (2). Last evaluated 2025-02-08.

Conditions:
Hereditary cancer-predisposing syndrome. Also called: Neoplastic Syndromes, Hereditary; Hereditary neoplastic syndrome; Tumor predisposition; Hereditary Cancer Syndrome. Identifiers: Orphanet 140162, MedGen C0027672, MeSH D009386, MONDO:0015356.
Tuberous sclerosis 1 (TSC1). Identifiers: Orphanet 805, MedGen C1854465, MONDO:0008612, OMIM 191100.

Submissions (2):

Ambry Genetics
Classification: Uncertain significance for Hereditary cancer-predisposing syndrome. Last evaluated: 2025-02-08. Review status: criteria provided, single submitter. Criteria: Ambry Variant Classification Scheme 2023. Collection method: clinical testing. Allele origin: germline.
Comment: The p.L1113P variant (also known as c.3338T>C), located in coding exon 21 of the TSC1 gene, results from a T to C substitution at nucleotide position 3338. The leucine at codon 1113 is replaced by proline, an amino acid with similar properties. This amino acid position is conserved. In addition, this alteration is predicted to be deleterious by in silico analysis. Based on the available evidence, the clinical significance of this variant remains unclear.

Labcorp Genetics (formerly Invitae), Labcorp
Classification: Uncertain significance for Tuberous sclerosis 1. Last evaluated: 2020-02-24. Review status: criteria provided, single submitter. Criteria: Invitae Variant Classification Sherloc (09022015). Collection method: clinical testing. Allele origin: germline.
Comment: In summary, the available evidence is currently insufficient to determine the role of this variant in disease. Therefore, it has been classified as a Variant of Uncertain Significance. Algorithms developed to predict the effect of missense changes on protein structure and function are either unavailable or do not agree on the potential impact of this missense change (SIFT: "Deleterious"; PolyPhen-2: "Benign"; Align-GVGD: "Class C0"). This variant has not been reported in the literature in individuals with TSC1-related conditions. This variant is not present in population databases (ExAC no frequency). This sequence change replaces leucine with proline at codon 1113 of the TSC1 protein (p.Leu1113Pro). The leucine residue is highly conserved and there is a moderate physicochemical difference between leucine and proline.

NM_000368.5(TSC1):c.3338T>C (p.Leu1113Pro)

Gene: TSC1 (TSC complex subunit 1; minus strand). Cytogenetic location: 9q34.13.
Variant type: single nucleotide variant.
Coding change: c.3338T>C on transcript NM_000368.5 (MANE Select); coding-DNA position 3338, T replaced by C.
Protein change: p.Leu1113Pro; replaces leucine 1113 with proline.
Molecular consequence: missense variant.
Genome position (GRCh38, 1-based): chr9:132,896,392, A>G on the plus strand (T>C on the coding strand, the complement: TSC1 is on the minus strand). VCF-style: chr9-132896392-A-G. GRCh37 (hg19) VCF-style: chr9-135771779-A-G.
Other names: c.3335T>C, p.Leu1112Pro (NM_001162426.2); c.3185T>C, p.Leu1062Pro (NM_001162427.2); c.2975T>C, p.Leu992Pro (NM_001362177.2); short protein forms L1062P, L1112P, L1113P, L992P.
Identifiers: ClinVar variation 844323 (VCV000844323.10), dbSNP rs1845042308, ClinGen allele CA375366582.
Genomic context (GRCh38, chr9:132,896,392, plus strand): 5'-AGGGGAATCTTGGCTTCCACACCCAAGTCTTTGCCCAGTTCTGTCTTTAGGCTCTCAGAA[A>G]GGCTACTGGTCATGCCGTCCTCATCACACTGGCTCTCGCTCTTATTACGAAATAACTCTC-3'
Protein context (NP_000359.1, residues 1103-1123): QCDEDGMTSS[Leu1113Pro]SESLKTELGK